The following is an entry in ClinVar:

ClinVar aggregate classification (germline): Uncertain significance. Review status: criteria provided, multiple submitters, no conflicts (2 of 4 stars). 2 submissions from 2 submitters: Uncertain significance (2). Last evaluated 2025-07-03.

Allele frequency attached by ClinVar (database versions not stated): gnomAD exomes 0.00001; TOPMed 0.00001; gnomAD 0.00002.
gnomAD v4.1: 14 of 1,613,572 alleles (0.00087%); highest among the groups gnomAD compares: African/African-American, 0.004%; no homozygotes.

Submissions (2):

GeneDx
Classification: Uncertain significance. Last evaluated: 2025-07-03. Review status: criteria provided, single submitter. Criteria: GeneDx Variant Classification Process June 2021. Collection method: clinical testing. Allele origin: germline. Affected: yes.
Comment: Not observed at significant frequency in large population cohorts (gnomAD); In silico analysis suggests that this missense variant does not alter protein structure/function; Has not been previously published as pathogenic or benign to our knowledge

Eurofins Ntd Llc (ga)
Classification: Uncertain significance. Last evaluated: 2016-08-26. Review status: criteria provided, single submitter. Criteria: EGL Classification Definitions 2015. Collection method: clinical testing. Allele origin: germline. Observed: 1 variant allele, 1 heterozygote.

NM_182961.4(SYNE1):c.19087G>A (p.Glu6363Lys)

Gene: SYNE1 (spectrin repeat containing nuclear envelope protein 1; minus strand). Cytogenetic location: 6q25.2.
Variant type: single nucleotide variant.
Coding change: c.19087G>A on transcript NM_182961.4 (MANE Select); coding-DNA position 19087, G replaced by A.
Protein change: p.Glu6363Lys; replaces glutamic acid 6363 with lysine.
Molecular consequence: missense variant.
Genome position (GRCh38, 1-based): chr6:152,256,651, C>T on the plus strand (G>A on the coding strand, the complement: SYNE1 is on the minus strand). VCF-style: chr6-152256651-C-T. GRCh37 (hg19) VCF-style: chr6-152577786-C-T.
Other names: c.18874G>A (NM_033071.3); c.18874G>A, p.Glu6292Lys (NM_033071.5); short protein forms E6292K, E6363K.
Identifiers: ClinVar variation 290941 (VCV000290941.6), dbSNP rs886044595, ClinGen allele CA10606953.